The following is an entry in ClinVar:

NM_000494.4(COL17A1):c.3595G>T (p.Glu1199Ter)

Gene: COL17A1 (collagen type XVII alpha 1 chain; minus strand). Cytogenetic location: 10q25.1.
Variant type: single nucleotide variant.
Coding change: c.3595G>T on transcript NM_000494.4 (MANE Select); coding-DNA position 3595, G replaced by T.
Protein change: p.Glu1199Ter; replaces glutamic acid 1199 with a stop codon.
Molecular consequence: nonsense.
Genome position (GRCh38, 1-based): chr10:104,035,287, C>A on the plus strand (G>T on the coding strand, the complement: COL17A1 is on the minus strand). VCF-style: chr10-104035287-C-A. GRCh37 (hg19) VCF-style: chr10-105795045-C-A.
Other names: short protein forms E1199*.
Identifiers: ClinVar variation 1339112 (VCV001339112.2), dbSNP rs2134567157, ClinGen allele CA378066251.

ClinVar aggregate classification (germline): Likely pathogenic (1 of 4 stars; one submission).

Conditions:
Junctional epidermolysis bullosa, non-Herlitz type. Also called: Epidermolysis bullosa, junctional, non-herlitz type, somatic mosaic revertant; COL17A1-Related Junctional Epidermolysis Bullosa; EPIDERMOLYSIS BULLOSA, JUNCTIONAL 1A, INTERMEDIATE; Adult junctional epidermolysis bullosa; EPIDERMOLYSIS BULLOSA JUNCTIONALIS, DISENTIS TYPE; EPIDERMOLYSIS BULLOSA JUNCTIONALIS, NON-HERLITZ TYPE. Identifiers: Orphanet 251393, Orphanet 79402, Orphanet 79405, Orphanet 89840, MedGen C0268374, MONDO:0009180, OMIM 226650.

Submission:

Neuberg Centre For Genomic Medicine, NCGM
Classification: Likely pathogenic for Junctional epidermolysis bullosa, non-Herlitz type. Review status: criteria provided, single submitter. Criteria: ACMG Guidelines, 2015. Collection method: clinical testing. Allele origin: germline. Affected: yes.
Comment: The stop gained p.E1199* in COL17A1 (NM_000494.4) has not been reported previously as a pathogenic variant nor as a benign variant, to our knowledge. The p.E1199* variant is novel (not in any individuals) in gnomAD Exomes and is novel (not in any individuals) in 1000 Genomes. This variant is predicted to cause loss of normal protein function through protein truncation. For these reasons, this variant has been classified as Likely Pathogenic.